The following is an entry in ClinVar:

ClinVar aggregate classification (germline): Uncertain significance (1 of 4 stars; one submission).

Conditions:
Costello syndrome (CSTLO). Also called: HRAS-Related Costello Syndrome; FACIOCUTANEOSKELETAL SYNDROME; FCS SYNDROME. Identifiers: Orphanet 3071, MedGen C0587248, MONDO:0009026, OMIM 218040.

Submission:

Labcorp Genetics (formerly Invitae), Labcorp
Classification: Uncertain significance for Costello syndrome. Last evaluated: 2022-10-23. Review status: criteria provided, single submitter. Criteria: Invitae Variant Classification Sherloc (09022015). Collection method: clinical testing. Allele origin: germline.
Comment: This sequence change creates a premature translational stop signal (p.Ser136Profs*30) in the HRAS gene. It is expected to result in an absent or disrupted protein product. However, the current clinical and genetic evidence is not sufficient to establish whether loss-of-function variants in HRAS cause disease. This variant is present in population databases (rs780297433, gnomAD 0.0009%). This variant has not been reported in the literature in individuals affected with HRAS-related conditions. In summary, the available evidence is currently insufficient to determine the role of this variant in disease. Therefore, it has been classified as a Variant of Uncertain Significance.

NM_005343.4(HRAS):c.401_402insAAGACCTCGC (p.Ser136fs)

Genes: HRAS (HRas proto-oncogene, GTPase; minus strand), LRRC56 (leucine rich repeat containing 56; plus strand). Cytogenetic location: 11p15.5.
Variant type: Insertion.
Coding change: c.401_402insAAGACCTCGC on transcript NM_005343.4 (MANE Select); coding-DNA positions 401 to 402, AAGACCTCGC inserted.
Protein change: p.Ser136fs; shifts the reading frame from serine 136.
Molecular consequence: frameshift variant.
Genome position: GRCh38 VCF-style: chr11-533501-G-GGCGAGGTCTT. GRCh37 (hg19) VCF-style: chr11-533501-G-GGCGAGGTCTT.
Other names: c.401_402insAAGACCTCGC, p.Ser136fs (NM_176795.5, NM_001130442.3); c.82_83insAAGACCTCGC, p.Pro28fs (NM_001318054.2); short protein forms S136fs, P28fs.
Identifiers: ClinVar variation 2036547 (VCV002036547.4), dbSNP rs780297433, ClinGen allele CA5779317.
Genomic context (GRCh38, chr11:533,501, plus strand): 5'-GAGCTGCCTCACCTGCCGGGTCTTGGCCGAGGTCTCGATGTAGGGGATGCCGTAGCTTCG[G>GGCGAGGTCTT]GCGAGGTCCTGAGCCTGCCGAGATTCCACAGTGCGTGCAGCCAGGTCACACTTGTTCCCC-3'